The following is an entry in ClinVar:

ClinVar aggregate classification (germline): Uncertain significance (1 of 4 stars; one submission).

Conditions:
Autosomal recessive hypohidrotic ectodermal dysplasia syndrome. Also called: Autosomal recessive hypohidrotic ectodermal dysplasia. Identifiers: Orphanet 248, MedGen C0406702, MONDO:0016619.
Ectodermal dysplasia 10A, hypohidrotic/hair/nail type, autosomal dominant (ECTD10A). Also called: Ectodermal Dysplasia 3, Anhidrotic. Identifiers: Orphanet 1810, Orphanet 238468, MedGen C3888065, MONDO:0007509, OMIM 129490.

Allele frequency attached by ClinVar (database versions not stated): gnomAD exomes below 0.00001.
gnomAD v4.1: 2 of 1,614,162 alleles (0.00012%); highest among the groups gnomAD compares: Non-Finnish European, 0.00017%; no homozygotes.

Submission:

Labcorp Genetics (formerly Invitae), Labcorp
Classification: Uncertain significance for Ectodermal dysplasia 10A, hypohidrotic/hair/nail type, autosomal dominant; Autosomal recessive hypohidrotic ectodermal dysplasia syndrome. Last evaluated: 2019-03-14. Review status: criteria provided, single submitter. Criteria: Invitae Variant Classification Sherloc (09022015). Collection method: clinical testing. Allele origin: germline.
Comment: In summary, the available evidence is currently insufficient to determine the role of this variant in disease. Therefore, it has been classified as a Variant of Uncertain Significance. Algorithms developed to predict the effect of missense changes on protein structure and function are either unavailable or do not agree on the potential impact of this missense change (SIFT: "Deleterious"; PolyPhen-2: "Probably Damaging"; Align-GVGD: "Class C0"). This variant has not been reported in the literature in individuals with EDAR-related conditions. This variant is not present in population databases (ExAC no frequency). This sequence change replaces tyrosine with cysteine at codon 131 of the EDAR protein (p.Tyr131Cys). The tyrosine residue is highly conserved and there is a large physicochemical difference between tyrosine and cysteine.

NM_022336.4(EDAR):c.392A>G (p.Tyr131Cys)

Genes: RANBP2 (RAN binding protein 2; plus strand), EDAR (ectodysplasin A receptor; minus strand). Cytogenetic location: 2q13.
Variant type: single nucleotide variant.
Coding change: c.392A>G on transcript NM_022336.4 (MANE Select); coding-DNA position 392, A replaced by G.
Protein change: p.Tyr131Cys; replaces tyrosine 131 with cysteine.
Molecular consequence: missense variant.
Genome position (GRCh38, 1-based): chr2:108,923,418, T>C on the plus strand (A>G on the coding strand, the complement: EDAR is on the minus strand). VCF-style: chr2-108923418-T-C. GRCh37 (hg19) VCF-style: chr2-109539874-T-C.
Other names: short protein forms Y131C.
Identifiers: ClinVar variation 850904 (VCV000850904.11), dbSNP rs1697188444, ClinGen allele CA348115367.
Genomic context (GRCh38, chr2:108,923,418, plus strand): 5'-AGACACTCACATTCCTTGGTGTTGGGGGGTGCCAGGAGGCAGGAGTAGCAGACCATGCCA[T>C]AGATGTTCCTCGGTCTGTTCTCCAGCATGTAGTAGCTACGGGGGAGAGACAAGACAAAAC-3'
Protein context (NP_071731.1, residues 121-141): YMLENRPRNI[Tyr131Cys]GMVCYSCLLA